The following is an entry in ClinVar:

ClinVar aggregate classification (germline): Uncertain significance (1 of 4 stars; one submission).

gnomAD v4.1: 1 of 1,613,244 alleles (0.000062%); highest among the groups gnomAD compares: South Asian, 0.0011%; no homozygotes.

Submission:

Labcorp Genetics (formerly Invitae), Labcorp
Classification: Uncertain significance. Last evaluated: 2022-06-27. Review status: criteria provided, single submitter. Criteria: Invitae Variant Classification Sherloc (09022015). Collection method: clinical testing. Allele origin: germline.
Comment: In summary, the available evidence is currently insufficient to determine the role of this variant in disease. Therefore, it has been classified as a Variant of Uncertain Significance. Algorithms developed to predict the effect of missense changes on protein structure and function are either unavailable or do not agree on the potential impact of this missense change (SIFT: "Deleterious"; PolyPhen-2: "Benign"; Align-GVGD: "Class C0"). This variant has not been reported in the literature in individuals affected with PLEKHM2-related conditions. This variant is not present in population databases (gnomAD no frequency). This sequence change replaces arginine, which is basic and polar, with glycine, which is neutral and non-polar, at codon 613 of the PLEKHM2 protein (p.Arg613Gly).

NM_015164.4(PLEKHM2):c.1837C>G (p.Arg613Gly)

Gene: PLEKHM2 (pleckstrin homology and RUN domain containing M2; plus strand). Cytogenetic location: 1p36.21.
Variant type: single nucleotide variant.
Coding change: c.1837C>G on transcript NM_015164.4 (MANE Select); coding-DNA position 1837, C replaced by G.
Protein change: p.Arg613Gly; replaces arginine 613 with glycine.
Molecular consequence: missense variant.
Genome position (GRCh38, 1-based): chr1:15,728,273, C>G. VCF-style: chr1-15728273-C-G. GRCh37 (hg19) VCF-style: chr1-16054768-C-G.
Other names: short protein forms R613G.
Identifiers: ClinVar variation 1364100 (VCV001364100.8), dbSNP rs778088672, ClinGen allele CA338589734.